The following is an entry in ClinVar:

ClinVar aggregate classification (germline): Likely pathogenic. Review status: criteria provided, single submitter (1 of 4 stars). 2 submissions from 2 submitters: Likely pathogenic (1). 1 of the submissions does not count toward it. Last evaluated 2024-03-03.

Conditions:
Hernia, anterior diaphragmatic (DIH5). Identifiers: Orphanet 2140, MedGen C1844025, MONDO:0010606, OMIM 306950.
Congenital diaphragmatic hernia. Also called: DIH; Congenital diaphragmatic defect; Unilateral agenesis of diaphragm; Agenesis of hemidiaphragm. Identifiers: Orphanet 2140, MedGen C0235833, MeSH D065630, MONDO:0005711, HP:0000776.

Submissions (2):

SIB Swiss Institute of Bioinformatics
Classification: Likely pathogenic for Hernia, anterior diaphragmatic. Last evaluated: 2024-03-03. Review status: criteria provided, single submitter. Criteria: ACMG Guidelines, 2015. Collection method: curation. Allele origin: de novo. Affected: yes.
Comment: This variant is interpreted for Diaphragmatic hernia 5, X-linked. The following ACMG Tag(s) were applied: Absent from controls (or at extremely low frequency if recessive) in gnomAD (PM2). De novo data (PS2). Multiple lines of computational evidence support a deleterious effect on the gene or gene product (PP3).

Lupski Lab, Baylor-Hopkins CMG, Baylor College of Medicine
Classification: Pathogenic for Congenital diaphragmatic hernia. Last evaluated: 2021-08-11. Review status: no assertion criteria provided. Collection method: research. Allele origin: de novo. Affected: yes. Observed: 1 variant allele. Study: Baylor-Hopkins Center for Mendelian Genomics. Not counted in ClinVar's aggregate classification.

Literature cited by the submitters: PubMed 37751738 (cited by SIB Swiss Institute of Bioinformatics).

NM_005032.7(PLS3):c.617C>T (p.Ala206Val)

Gene: PLS3 (plastin 3; plus strand). Cytogenetic location: Xq23.
Variant type: single nucleotide variant.
Coding change: c.617C>T on transcript NM_005032.7 (MANE Select); coding-DNA position 617, C replaced by T.
Protein change: p.Ala206Val; replaces alanine 206 with valine.
Molecular consequence: missense variant.
Genome position (GRCh38, 1-based): chrX:115,634,915, C>T. VCF-style: chrX-115634915-C-T. GRCh37 (hg19) VCF-style: chrX-114869227-C-T.
Other names: c.617C>T, p.Ala206Val (NM_001136025.5); c.536C>T, p.Ala179Val (NM_001172335.3); c.551C>T, p.Ala184Val (NM_001282337.2); c.482C>T, p.Ala161Val (NM_001282338.2); short protein forms A161V, A179V, A184V, A206V.
Identifiers: ClinVar variation 1195979 (VCV001195979.2), dbSNP rs2147551760, ClinGen allele CA414333942.